The following is an entry in ClinVar:

ClinVar aggregate classification (germline): Uncertain significance (1 of 4 stars; one submission).

Conditions:
Inborn genetic diseases. Identifiers: MedGen C0950123, MeSH D030342.

gnomAD v4.1: 1 of 1,613,966 alleles (0.000062%); highest among the groups gnomAD compares: South Asian, 0.0011%; no homozygotes.

Submission:

Ambry Genetics
Classification: Uncertain significance for Inborn genetic diseases. Last evaluated: 2025-04-11. Review status: criteria provided, single submitter. Criteria: Ambry Variant Classification Scheme 2023. Collection method: clinical testing. Allele origin: germline.
Comment: The c.1400-2A>G intronic variant results from an A to G substitution two nucleotides upstream from coding exon 14 in the DDX41 gene. Alterations that disrupt the canonical splice site are expected to result in aberrant splicing. In silico splice site analysis predicts that this alteration will weaken the native splice acceptor site and may result in the creation or strengthening of a novel splice acceptor site. A resulting transcript is predicted to be in-frame and is not expected to trigger nonsense-mediated mRNAdecay; although, direct evidence is unavailable. This nucleotide position is highly conserved in available vertebrate species. Based on the available evidence, the clinical significance of this variant remains unclear.

NM_016222.4(DDX41):c.1400-2A>G

Gene: DDX41 (DEAD-box helicase 41; minus strand). Cytogenetic location: 5q35.3.
Variant type: single nucleotide variant.
Coding change: c.1400-2A>G on transcript NM_016222.4 (MANE Select); the canonical splice acceptor site of the intron before coding-DNA position 1400, A replaced by G.
Molecular consequence: splice acceptor variant.
Genome position (GRCh38, 1-based): chr5:177,512,647, T>C on the plus strand (A>G on the coding strand, the complement: DDX41 is on the minus strand). VCF-style: chr5-177512647-T-C. GRCh37 (hg19) VCF-style: chr5-176939648-T-C.
Other names: c.1022-2A>G (NM_001321830.2, NM_001321732.2).
Identifiers: ClinVar variation 4010287 (VCV004010287.1).